The following is an entry in ClinVar:

ClinVar aggregate classification (germline): Conflicting classifications of pathogenicity. Review status: criteria provided, conflicting classifications (1 of 4 stars). 8 submissions from 8 submitters: Uncertain significance (5); Benign (1); Likely benign (1). 1 of the submissions does not count toward it. Last evaluated 2025-12-21.

Conditions:
FBN2-related disorder. Also called: FBN2-related condition.
Connective tissue disorder. Also called: Connective tissue disease. Identifiers: MedGen C0009782, MONDO:0003900.
Macular degeneration, early-onset (EOMD). Identifiers: MedGen C4015286, MONDO:0014501, OMIM 616118.
Familial thoracic aortic aneurysm and aortic dissection (TAAD). Also called: Thoracic aortic aneurysms and dissections. Identifiers: Orphanet 91387, MedGen C4707243, MONDO:0019625.
Congenital contractural arachnodactyly (CCA). Also called: BEALS SYNDROME; Beals-Hecht syndrome; Arthrogryposis, distal, type 9. Identifiers: Orphanet 115, MedGen C0220668, MONDO:0007363, OMIM 121050.

Allele frequency attached by ClinVar (database versions not stated): gnomAD 0.00001 and 0.00002; TOPMed 0.00004.
gnomAD v4.1: 125 of 1,613,930 alleles (0.0077%); highest among the groups gnomAD compares: Non-Finnish European, 0.0097%; no homozygotes.

Submissions (8):

Labcorp Genetics (formerly Invitae), Labcorp
Classification: Benign for Congenital contractural arachnodactyly. Last evaluated: 2025-12-21. Review status: criteria provided, single submitter. Criteria: Invitae Variant Classification Sherloc (09022015). Collection method: clinical testing. Allele origin: germline.

Ambry Genetics
Classification: Uncertain significance for Familial thoracic aortic aneurysm and aortic dissection. Last evaluated: 2025-10-17. Review status: criteria provided, single submitter. Criteria: Ambry Variant Classification Scheme 2023. Collection method: clinical testing. Allele origin: germline.
Comment: The p.E1144K variant (also known as c.3430G>A), located in coding exon 26 of the FBN2 gene, results from a G to A substitution at nucleotide position 3430. The glutamic acid at codon 1144 is replaced by lysine, an amino acid with similar properties. This variant was reported to co-segregate with early onset macular dystrophy in five relatives in one family (Ratnapriya R et al. Hum Mol Genet. 2014;23(21):5827-3). This amino acid position is not well conserved in available vertebrate species. In addition, the in silico prediction for this alteration is inconclusive. Since supporting evidence is limited at this time, the clinical significance of this variant remains unclear.

GeneDx
Classification: Uncertain significance. Last evaluated: 2025-09-11. Review status: criteria provided, single submitter. Criteria: GeneDx Variant Classification Process June 2021. Collection method: clinical testing. Allele origin: germline. Affected: yes.
Comment: Identified in several members of one family with early onset macular degeneration (PMID: 24899048); In silico analysis suggests that this missense variant does not alter protein structure/function; Although located in a calcium-binding EGF-like domain of the FBN2 gene, it does not substitute or introduce a cysteine residue (PMID: 19006240, 18767143); This variant is associated with the following publications: (PMID: 31624054, 25986072, 36971708, 37100863, 19006240, 18767143, 24899048, 37734845)

CeGaT Center for Human Genetics Tuebingen
Classification: Uncertain significance. Last evaluated: 2025-05-01. Review status: criteria provided, single submitter. Criteria: CeGaT Center For Human Genetics Tuebingen Variant Classification Criteria Version 2. Collection method: clinical testing. Allele origin: germline. Affected: yes. Observed: 1 variant allele.

PreventionGenetics, part of Exact Sciences
Classification: Uncertain significance for FBN2-related condition. Last evaluated: 2025-03-03. Review status: criteria provided, single submitter. Criteria: ACMG Guidelines, 2015. Collection method: clinical testing. Allele origin: germline.
Comment: The FBN2 c.3430G>A variant is predicted to result in the amino acid substitution p.Glu1144Lys. This variant has been reported as segregating with disease in a two generation kindred with maculopathy (Ratnapriya et al. 2014. PubMed ID: 24899048). This variant has also been reported with uncertain significance in a large cohort study of retinal disease (Table S1, Weisschuh et al. 2024. PubMed ID: 37734845). This variant is present in 0.0088% of alleles in individuals of European (Non-Finnish) descent in gnomAD. Although we suspect that this variant may be pathogenic, at this time, the clinical significance of this variant is uncertain due to the absence of conclusive functional and genetic evidence.

Blueprint Genetics
Classification: Likely benign. Last evaluated: 2021-07-09. Review status: criteria provided, single submitter. Criteria: ACMG Guidelines, 2015. Collection method: clinical testing. Allele origin: germline.

Center for Human Genetics, Inc
Classification: Uncertain significance for Connective tissue disorder. Last evaluated: 2018-06-01. Review status: criteria provided, single submitter. Criteria: ACMG Guidelines, 2015. Collection method: clinical testing. Allele origin: germline. Affected: yes.

OMIM
Classification: Pathogenic for MACULAR DEGENERATION, EARLY-ONSET. Last evaluated: 2014-11-01. Review status: no assertion criteria provided. Collection method: literature only. Allele origin: germline. Not counted in ClinVar's aggregate classification.

Literature cited by the submitters: PubMed 24899048 (cited by OMIM).

NM_001999.4(FBN2):c.3430G>A (p.Glu1144Lys)

Gene: FBN2 (fibrillin 2; minus strand). Cytogenetic location: 5q23.3.
Variant type: single nucleotide variant.
Coding change: c.3430G>A on transcript NM_001999.4 (MANE Select); coding-DNA position 3430, G replaced by A.
Protein change: p.Glu1144Lys; replaces glutamic acid 1144 with lysine.
Molecular consequence: missense variant.
Genome position (GRCh38, 1-based): chr5:128,338,975, C>T on the plus strand (G>A on the coding strand, the complement: FBN2 is on the minus strand). VCF-style: chr5-128338975-C-T. GRCh37 (hg19) VCF-style: chr5-127674667-C-T.
Other names: short protein forms E1144K.
Identifiers: ClinVar variation 161445 (VCV000161445.29), dbSNP rs200060005, ClinGen allele CA174026.